The following is an entry in ClinVar:

NM_015978.3(TNNI3K):c.1847T>C (p.Leu616Pro)

Genes: FPGT-TNNI3K (FPGT-TNNI3K readthrough; plus strand), TNNI3K (TNNI3 interacting kinase; plus strand). Cytogenetic location: 1p31.1.
Variant type: single nucleotide variant.
Coding change: c.1847T>C on transcript NM_015978.3 (MANE Select); coding-DNA position 1847, T replaced by C.
Protein change: p.Leu616Pro; replaces leucine 616 with proline.
Molecular consequence: missense variant.
Genome position (GRCh38, 1-based): chr1:74,436,495, T>C. VCF-style: chr1-74436495-T-C. GRCh37 (hg19) VCF-style: chr1-74902179-T-C.
Other names: c.2150T>C, p.Leu717Pro (NM_001112808.3, NM_001199327.2); short protein forms L616P, L717P.
Identifiers: ClinVar variation 4805225 (VCV004805225.1).
Genomic context (GRCh38, chr1:74,436,495, plus strand): 5'-ATATTTCCTTTGACGTGATTTATTTTCTCTTTCCCTCAGAATCAAGATTTCTACAGTCTC[T>C]GGATGAAGACAACATGACAAAACAACCTGGGGTTTGCTGCTGCTTGTGTTTCCTATAATT-3'
Protein context (NP_057062.1, residues 606-626): DFGESRFLQS[Leu616Pro]DEDNMTKQPG

ClinVar aggregate classification (germline): Uncertain significance (1 of 4 stars; one submission).

Submission:

Labcorp Genetics (formerly Invitae), Labcorp
Classification: Uncertain significance. Last evaluated: 2025-05-29. Review status: criteria provided, single submitter. Criteria: Invitae Variant Classification Sherloc (09022015). Collection method: clinical testing. Allele origin: germline.
Comment: This sequence change replaces leucine, which is neutral and non-polar, with proline, which is neutral and non-polar, at codon 616 of the TNNI3K protein (p.Leu616Pro). This variant is not present in population databases (gnomAD no frequency). This variant has not been reported in the literature in individuals affected with TNNI3K-related conditions. An algorithm developed to predict the effect of missense changes on protein structure and function (PolyPhen-2) suggests that this variant is likely to be tolerated. In summary, the available evidence is currently insufficient to determine the role of this variant in disease. Therefore, it has been classified as a Variant of Uncertain Significance.